The following is an entry in ClinVar:

ClinVar aggregate classification (germline): Benign (0 of 4 stars; one submission).

Conditions:
PRRC2A-related disorder. Also called: PRRC2A-related condition.

Allele frequency attached by ClinVar (database versions not stated): 1000 Genomes Project 0.13239; ExAC 0.15034; TOPMed 0.16631; gnomAD 0.16997; gnomAD exomes 0.17680.
gnomAD v4.1: 283,262 of 1,612,116 alleles (18%); highest among the groups gnomAD compares: African/African-American, 20%; 26,681 homozygotes.

Submission:

PreventionGenetics, part of Exact Sciences
Classification: Benign for PRRC2A-related condition. Last evaluated: 2019-10-21. Review status: no assertion criteria provided. Collection method: clinical testing. Allele origin: germline.
Comment: This variant is classified as benign based on ACMG/AMP sequence variant interpretation guidelines (Richards et al. 2015 PMID: 25741868, with internal and published modifications).

NM_004638.4(PRRC2A):c.2376A>G (p.Val792=)

Gene: PRRC2A (proline rich coiled-coil 2A; plus strand). Cytogenetic location: 6p21.33.
Variant type: single nucleotide variant.
Coding change: c.2376A>G on transcript NM_004638.4 (MANE Select); coding-DNA position 2376, A replaced by G.
Protein change: p.Val792=; no amino-acid change (valine 792 retained).
Molecular consequence: synonymous variant.
Genome position (GRCh38, 1-based): chr6:31,630,712, A>G. VCF-style: chr6-31630712-A-G. GRCh37 (hg19) VCF-style: chr6-31598489-A-G.
Other names: c.2376A>G, p.Val792= (NM_080686.3).
Identifiers: ClinVar variation 3059728 (VCV003059728.2), dbSNP rs3130626, ClinGen allele CA3715656.